The following is an entry in ClinVar:

ClinVar aggregate classification (germline): Uncertain significance. Review status: criteria provided, multiple submitters, no conflicts (2 of 4 stars). 5 submissions from 5 submitters: Uncertain significance (5). Last evaluated 2025-10-27.

Conditions:
Hypertrophic cardiomyopathy 1 (CMH1). Also called: Familial hypertrophic cardiomyopathy 1; MYH7-Related Familial Hypertrophic Cardiomyopathy. Identifiers: MedGen C3495498, MONDO:0008647, OMIM 192600.

Allele frequency attached by ClinVar (database versions not stated): gnomAD exomes 0.00010; TOPMed 0.00011; gnomAD 0.00013 and 0.00014; ExAC 0.00006.
gnomAD v4.1: 162 of 1,613,928 alleles (0.01%); highest among the groups gnomAD compares: Admixed American, 0.01%; no homozygotes.

Submissions (5):

Labcorp Genetics (formerly Invitae), Labcorp
Classification: Uncertain significance for Hypertrophic cardiomyopathy 1. Last evaluated: 2025-10-27. Review status: criteria provided, single submitter. Criteria: Invitae Variant Classification Sherloc (09022015). Collection method: clinical testing. Allele origin: germline.
Comment: This sequence change replaces proline, which is neutral and non-polar, with leucine, which is neutral and non-polar, at codon 45 of the MYLK2 protein (p.Pro45Leu). This variant is present in population databases (rs768640764, gnomAD 0.1%), and has an allele count higher than expected for a pathogenic variant. This variant has not been reported in the literature in individuals affected with MYLK2-related conditions. ClinVar contains an entry for this variant (Variation ID: 191735). Invitae Evidence Modeling of protein sequence and biophysical properties (such as structural, functional, and spatial information, amino acid conservation, physicochemical variation, residue mobility, and thermodynamic stability) indicates that this missense variant is not expected to disrupt MYLK2 protein function with a negative predictive value of 80%. In summary, the available evidence is currently insufficient to determine the role of this variant in disease. Therefore, it has been classified as a Variant of Uncertain Significance.

Department of Pathology and Laboratory Medicine, Sinai Health System
Classification: Uncertain significance for Hypertrophic cardiomyopathy 1. Last evaluated: 2023-01-11. Review status: criteria provided, single submitter. Criteria: ACMG Guidelines, 2015. Collection method: research. Allele origin: germline.

Centre of Medical Genetics, University Hospital Muenster
Classification: Uncertain significance. Last evaluated: 2022-02-10. Review status: criteria provided, single submitter. Criteria: ACMG Guidelines, 2015. Collection method: clinical testing. Allele origin: unknown. Affected: yes. Observed: 1 variant allele, 1 heterozygote.
Comment: ACMG categories: PM2

GeneDx
Classification: Uncertain significance. Last evaluated: 2021-04-14. Review status: criteria provided, single submitter. Criteria: GeneDx Variant Classification Process June 2021. Collection method: clinical testing. Allele origin: germline. Affected: yes.
Comment: Reported in ClinVar as a variant of uncertain significance (ClinVar Variant ID# 191735; Landrum et al., 2016); In silico analysis supports that this missense variant does not alter protein structure/function; This variant is associated with the following publications: (PMID: 26272908, 23861362)

Biesecker Lab/Clinical Genomics Section, National Institutes of Health
Classification: Uncertain significance. Last evaluated: 2013-06-24. Review status: criteria provided, single submitter. Criteria: Ng et al. (Circ Cardiovasc Genet. 2013). Collection method: research. Allele origin: unknown. Observed: 1 variant allele. Study: ClinSeq.
Comment: The study set was not selected for affection status in relation to any cancer. Pathogenicity categories were based on literature curation. See Pubmed ID:23861362 for details.

Medical sequencing

NM_033118.4(MYLK2):c.134C>T (p.Pro45Leu)

Gene: MYLK2 (myosin light chain kinase 2; plus strand). Cytogenetic location: 20q11.21.
Variant type: single nucleotide variant.
Coding change: c.134C>T on transcript NM_033118.4 (MANE Select); coding-DNA position 134, C replaced by T.
Protein change: p.Pro45Leu; replaces proline 45 with leucine.
Molecular consequence: missense variant.
Genome position (GRCh38, 1-based): chr20:31,820,207, C>T. VCF-style: chr20-31820207-C-T. GRCh37 (hg19) VCF-style: chr20-30408010-C-T.
Other names: short protein forms P45L.
Identifiers: ClinVar variation 191735 (VCV000191735.16), dbSNP rs768640764, ClinGen allele CA237403.
Genomic context (GRCh38, chr20:31,820,207, plus strand): 5'-CAGGTGAAAGACCCCTGGCTGCAGGGAAAGACCCTGGCCCCCCAGACCCAAAGAAAGCTC[C>T]GGATCCACCCACCCTGAAGAAAGATGCCAAAGCCCCTGCCTCAGAGAAAGGGGATGGTAC-3'
Protein context (NP_149109.1, residues 35-55): DPGPPDPKKA[Pro45Leu]DPPTLKKDAK